The following is an entry in ClinVar:

ClinVar aggregate classification (germline): Conflicting classifications of pathogenicity. Review status: criteria provided, conflicting classifications (1 of 4 stars). 5 submissions from 5 submitters: Uncertain significance (1); Likely benign (3). 1 of the submissions does not count toward it. Last evaluated 2026-01-24.

Conditions:
FANCE-related disorder. Also called: FANCE-related condition.
Fanconi anemia (FA). Also called: Fanconi's anemia. Identifiers: Orphanet 84, MedGen C0015625, MeSH D005199, MONDO:0019391.
Fanconi anemia complementation group E (FANCE). Also called: FANCE-Related Fanconi Anemia. Identifiers: Orphanet 84, MedGen C3160739, MONDO:0010953, OMIM 600901.

Allele frequency attached by ClinVar (database versions not stated): gnomAD exomes 0.00014 and 0.00030; ExAC 0.00030; 1000 Genomes Project 0.00060; 1000 Genomes Project 30x 0.00062; gnomAD 0.00084 and 0.00098; ESP Exome Variant Server 0.00085; TOPMed 0.00095.
gnomAD v4.1: 338 of 1,614,172 alleles (0.021%); highest among the groups gnomAD compares: African/African-American, 0.28%; no homozygotes.

Submissions (5):

Labcorp Genetics (formerly Invitae), Labcorp
Classification: Likely benign for Fanconi anemia complementation group E. Last evaluated: 2026-01-24. Review status: criteria provided, single submitter. Criteria: Invitae Variant Classification Sherloc (09022015). Collection method: clinical testing. Allele origin: germline.

Sema4
Classification: Likely benign for Fanconi anemia. Last evaluated: 2021-06-07. Review status: criteria provided, single submitter. Criteria: Sema4 Curation Guidelines. Collection method: curation. Allele origin: germline.

Genetic Services Laboratory, University of Chicago
Classification: Likely benign. Last evaluated: 2019-09-11. Review status: criteria provided, single submitter. Criteria: ACMG Guidelines, 2015. Collection method: clinical testing. Allele origin: germline. Affected: no.

Illumina Laboratory Services, Illumina
Classification: Uncertain significance for Fanconi anemia complementation group E. Last evaluated: 2018-01-13. Review status: criteria provided, single submitter. Criteria: ICSL Variant Classification Criteria 13 December 2019. Collection method: clinical testing. Allele origin: germline.

PreventionGenetics, part of Exact Sciences
Classification: Likely benign for FANCE-related condition. Last evaluated: 2019-11-18. Review status: no assertion criteria provided. Collection method: clinical testing. Allele origin: germline. Not counted in ClinVar's aggregate classification.
Comment: This variant is classified as likely benign based on ACMG/AMP sequence variant interpretation guidelines (Richards et al. 2015 PMID: 25741868, with internal and published modifications).

NM_021922.3(FANCE):c.696G>A (p.Glu232=)

Gene: FANCE (FA complementation group E; plus strand). Cytogenetic location: 6p21.31.
Variant type: single nucleotide variant.
Coding change: c.696G>A on transcript NM_021922.3 (MANE Select); coding-DNA position 696, G replaced by A.
Protein change: p.Glu232=; no amino-acid change (glutamic acid 232 retained).
Molecular consequence: synonymous variant.
Genome position (GRCh38, 1-based): chr6:35,456,194, G>A. VCF-style: chr6-35456194-G-A. GRCh37 (hg19) VCF-style: chr6-35423971-G-A.
Identifiers: ClinVar variation 356447 (VCV000356447.21), dbSNP rs147356927, ClinGen allele CA3771465.